The following is an entry in ClinVar:

NM_007126.5(VCP):c.338G>A (p.Arg113His)

Gene: VCP (valosin containing protein; minus strand). Cytogenetic location: 9p13.3.
Variant type: single nucleotide variant.
Coding change: c.338G>A on transcript NM_007126.5 (MANE Select); coding-DNA position 338, G replaced by A.
Protein change: p.Arg113His; replaces arginine 113 with histidine.
Molecular consequence: missense variant.
Genome position (GRCh38, 1-based): chr9:35,066,782, C>T on the plus strand (G>A on the coding strand, the complement: VCP is on the minus strand). VCF-style: chr9-35066782-C-T. GRCh37 (hg19) VCF-style: chr9-35066779-C-T.
Other names: c.203G>A, p.Arg68His (NM_001354927.2, NM_001354928.2); short protein forms R113H, R68H.
Identifiers: ClinVar variation 1704891 (VCV001704891.3), dbSNP rs2490370479, ClinGen allele CA373292435.

ClinVar aggregate classification (germline): Uncertain significance. Review status: criteria provided, multiple submitters, no conflicts (2 of 4 stars). 2 submissions from 2 submitters: Uncertain significance (2). Last evaluated 2025-03-12.

Conditions:
Frontotemporal dementia and/or amyotrophic lateral sclerosis 6 (FTDALS6). Also called: VCP-Related Amyotrophic Lateral Sclerosis; VCP-Related Amyotrophic Lateral Sclerosis/Frontotemporal Dementia. Identifiers: Orphanet 275872, Orphanet 803, MedGen C5436279, MONDO:0013501, OMIM 613954.
Inclusion body myopathy with Paget disease of bone and frontotemporal dementia. Also called: Inclusion body myopathy with early-onset Paget disease and frontotemporal dementia. Identifiers: Orphanet 52430, MedGen C1833662, MONDO:0000507.

Submissions (2):

Labcorp Genetics (formerly Invitae), Labcorp
Classification: Uncertain significance for Inclusion body myopathy with Paget disease of bone and frontotemporal dementia; Frontotemporal dementia and/or amyotrophic lateral sclerosis 6. Last evaluated: 2025-03-12. Review status: criteria provided, single submitter. Criteria: Invitae Variant Classification Sherloc (09022015). Collection method: clinical testing. Allele origin: germline.
Comment: This sequence change replaces arginine, which is basic and polar, with histidine, which is basic and polar, at codon 113 of the VCP protein (p.Arg113His). This variant is not present in population databases (gnomAD no frequency). This variant has not been reported in the literature in individuals affected with VCP-related conditions. ClinVar contains an entry for this variant (Variation ID: 1704891). Invitae Evidence Modeling of protein sequence and biophysical properties (such as structural, functional, and spatial information, amino acid conservation, physicochemical variation, residue mobility, and thermodynamic stability) indicates that this missense variant is not expected to disrupt VCP protein function with a negative predictive value of 80%. In summary, the available evidence is currently insufficient to determine the role of this variant in disease. Therefore, it has been classified as a Variant of Uncertain Significance.

GeneDx
Classification: Uncertain significance. Last evaluated: 2022-03-11. Review status: criteria provided, single submitter. Criteria: GeneDx Variant Classification Process June 2021. Collection method: clinical testing. Allele origin: germline. Affected: yes.
Comment: Not observed at significant frequency in large population cohorts (gnomAD); In silico analysis supports that this missense variant has a deleterious effect on protein structure/function; Has not been previously published as pathogenic or benign to our knowledge